The following is an entry in ClinVar:

ClinVar aggregate classification (germline): Conflicting classifications of pathogenicity. Review status: criteria provided, conflicting classifications (1 of 4 stars). 3 submissions from 3 submitters: Uncertain significance (2); Likely benign (1). Last evaluated 2025-11-03.

Conditions:
Hereditary cancer-predisposing syndrome. Also called: Tumor predisposition; Neoplastic Syndromes, Hereditary; Hereditary neoplastic syndrome; Hereditary Cancer Syndrome. Identifiers: Orphanet 140162, MedGen C0027672, MeSH D009386, MONDO:0015356.
Retinoblastoma (RB1). Also called: RETINOBLASTOMA, SOMATIC. Identifiers: Orphanet 790, MedGen C0035335, MeSH D012175, MONDO:0008380, OMIM 180200, HP:0009919. Disease mechanism: loss of function. Inheritance: Both sporadic and heritable forms are tested..

Allele frequency attached by ClinVar (database versions not stated): TOPMed below 0.00001.

Submissions (3):

Color Diagnostics, LLC DBA Color Health
Classification: Uncertain significance for Retinoblastoma. Last evaluated: 2025-11-03. Review status: criteria provided, single submitter. Criteria: ACMG Guidelines, 2015. Collection method: clinical testing. Allele origin: germline.
Comment: This missense variant replaces asparagine with histidine at codon 146 of the RB1 protein. Computational prediction suggests that this variant may not impact protein structure and function. To our knowledge, functional studies have not been reported for this variant. This variant has not been reported in individuals affected with RB1-related disorders in the literature. This variant has not been identified in the general population by the Genome Aggregation Database (gnomAD). The available evidence is insufficient to determine the role of this variant in disease conclusively. Therefore, this variant is classified as a Variant of Uncertain Significance.

Ambry Genetics
Classification: Likely benign for Hereditary cancer-predisposing syndrome. Last evaluated: 2025-06-09. Review status: criteria provided, single submitter. Criteria: Ambry Variant Classification Scheme 2023. Collection method: clinical testing. Allele origin: germline.

Labcorp Genetics (formerly Invitae), Labcorp
Classification: Uncertain significance for Retinoblastoma. Last evaluated: 2024-09-13. Review status: criteria provided, single submitter. Criteria: Invitae Variant Classification Sherloc (09022015). Collection method: clinical testing. Allele origin: germline.
Comment: This sequence change replaces asparagine, which is neutral and polar, with histidine, which is basic and polar, at codon 146 of the RB1 protein (p.Asn146His). This variant is not present in population databases (gnomAD no frequency). This variant has not been reported in the literature in individuals affected with RB1-related conditions. ClinVar contains an entry for this variant (Variation ID: 1517184). Invitae Evidence Modeling of protein sequence and biophysical properties (such as structural, functional, and spatial information, amino acid conservation, physicochemical variation, residue mobility, and thermodynamic stability) indicates that this missense variant is not expected to disrupt RB1 protein function with a negative predictive value of 80%. In summary, the available evidence is currently insufficient to determine the role of this variant in disease. Therefore, it has been classified as a Variant of Uncertain Significance.

NM_000321.3(RB1):c.436A>C (p.Asn146His)

Gene: RB1 (RB transcriptional corepressor 1; plus strand). Cytogenetic location: 13q14.2.
Variant type: single nucleotide variant.
Coding change: c.436A>C on transcript NM_000321.3 (MANE Select); coding-DNA position 436, A replaced by C.
Protein change: p.Asn146His; replaces asparagine 146 with histidine.
Molecular consequence: missense variant.
Genome position (GRCh38, 1-based): chr13:48,345,135, A>C. VCF-style: chr13-48345135-A-C. GRCh37 (hg19) VCF-style: chr13-48919271-A-C.
Other names: short protein forms N146H.
Identifiers: ClinVar variation 1517184 (VCV001517184.8), dbSNP rs1266294051, ClinGen allele CA388252717.